The following is an entry in ClinVar:

NM_016222.4(DDX41):c.599G>A (p.Gly200Asp)

Gene: DDX41 (DEAD-box helicase 41; minus strand). Cytogenetic location: 5q35.3.
Variant type: single nucleotide variant.
Coding change: c.599G>A on transcript NM_016222.4 (MANE Select); coding-DNA position 599, G replaced by A.
Protein change: p.Gly200Asp; replaces glycine 200 with aspartic acid.
Molecular consequence: missense variant.
Genome position (GRCh38, 1-based): chr5:177,515,231, C>T on the plus strand (G>A on the coding strand, the complement: DDX41 is on the minus strand). VCF-style: chr5-177515231-C-T. GRCh37 (hg19) VCF-style: chr5-176942232-C-T.
Other names: c.599G>A (NM_016222.2); c.221G>A, p.Gly74Asp (NM_001321732.2, NM_001321830.2); short protein forms G200D, G74D.
Identifiers: ClinVar variation 3674733 (VCV003674733.3).
Genomic context (GRCh38, chr5:177,515,231, plus strand): 5'-ACAGTCCACACTCACATGGTGGGGATGCCCTGGATCTGAATGGGTGTTGGGTGGTGAATG[C>T]CTTTCTTCTTCAGGCCTCTCAGGATGGCTATGAAAACCAACCGACATCGTCTTCATGACT-3'
Protein context (NP_057306.2, residues 190-210): AAILRGLKKK[Gly200Asp]IHHPTPIQIQ

ClinVar aggregate classification (germline): Uncertain significance. Review status: criteria provided, multiple submitters, no conflicts (2 of 4 stars). 2 submissions from 2 submitters: Uncertain significance (2). Last evaluated 2025-03-19.

Conditions:
Inborn genetic diseases. Identifiers: MedGen C0950123, MeSH D030342.

gnomAD v4.1: 5 of 1,614,004 alleles (0.00031%); highest among the groups gnomAD compares: Admixed American, 0.0017%; no homozygotes.

Submissions (2):

Ambry Genetics
Classification: Uncertain significance for Inborn genetic diseases. Last evaluated: 2025-03-19. Review status: criteria provided, single submitter. Criteria: Ambry Variant Classification Scheme 2023. Collection method: clinical testing. Allele origin: germline.
Comment: The p.G200D variant (also known as c.599G>A), located in coding exon 7 of the DDX41 gene, results from a G to A substitution at nucleotide position 599. The glycine at codon 200 is replaced by aspartic acid, an amino acid with similar properties. This amino acid position is conserved. In addition, the in silico prediction for this alteration is inconclusive. Based on the available evidence, the clinical significance of this variant remains unclear.

Labcorp Genetics (formerly Invitae), Labcorp
Classification: Uncertain significance. Last evaluated: 2024-07-17. Review status: criteria provided, single submitter. Criteria: Invitae Variant Classification Sherloc (09022015). Collection method: clinical testing. Allele origin: germline.
Comment: This sequence change replaces glycine, which is neutral and non-polar, with aspartic acid, which is acidic and polar, at codon 200 of the DDX41 protein (p.Gly200Asp). This variant is present in population databases (rs755920162, gnomAD 0.003%). This variant has not been reported in the literature in individuals affected with DDX41-related conditions. An algorithm developed to predict the effect of missense changes on protein structure and function (PolyPhen-2) suggests that this variant is likely to be disruptive. In summary, the available evidence is currently insufficient to determine the role of this variant in disease. Therefore, it has been classified as a Variant of Uncertain Significance.